The following is an entry in ClinVar:

NM_003265.3(TLR3):c.1377C>A (p.Phe459Leu)

Gene: TLR3 (toll like receptor 3; plus strand). Cytogenetic location: 4q35.1.
Variant type: single nucleotide variant.
Coding change: c.1377C>A on transcript NM_003265.3 (MANE Select); coding-DNA position 1377, C replaced by A.
Protein change: p.Phe459Leu; replaces phenylalanine 459 with leucine.
Molecular consequence: missense variant.
Genome position (GRCh38, 1-based): chr4:186,083,063, C>A. VCF-style: chr4-186083063-C-A. GRCh37 (hg19) VCF-style: chr4-187004217-C-A.
Other names: short protein forms F459L.
Identifiers: ClinVar variation 4742507 (VCV004742507.1).

ClinVar aggregate classification (germline): Uncertain significance (1 of 4 stars; one submission).

Conditions:
Encephalopathy, acute, infection-induced (herpes-specific), susceptibility to, 1. Also called: Herpes simplex encephalitis, susceptibility to, 1. Identifiers: Orphanet 1930, MedGen C2750180, MONDO:0024563, OMIM 610551.

Submission:

Labcorp Genetics (formerly Invitae), Labcorp
Classification: Uncertain significance for Encephalopathy, acute, infection-induced (herpes-specific), susceptibility to, 1. Last evaluated: 2025-11-27. Review status: criteria provided, single submitter. Criteria: Invitae Variant Classification Sherloc (09022015). Collection method: clinical testing. Allele origin: germline.
Comment: This sequence change replaces phenylalanine, which is neutral and non-polar, with leucine, which is neutral and non-polar, at codon 459 of the TLR3 protein (p.Phe459Leu). This variant is not present in population databases (gnomAD no frequency). This variant has not been reported in the literature in individuals affected with TLR3-related conditions. An algorithm developed to predict the effect of missense changes on protein structure and function (PolyPhen-2) suggests that this variant is likely to be tolerated. In summary, the available evidence is currently insufficient to determine the role of this variant in disease. Therefore, it has been classified as a Variant of Uncertain Significance.